The following is an entry in ClinVar:

NM_001379110.1(SLC9A6):c.475A>G (p.Ile159Val)

Gene: SLC9A6 (solute carrier family 9 member A6; plus strand). Cytogenetic location: Xq26.3.
Variant type: single nucleotide variant.
Coding change: c.475A>G on transcript NM_001379110.1 (MANE Select); coding-DNA position 475, A replaced by G.
Protein change: p.Ile159Val; replaces isoleucine 159 with valine.
Molecular consequence: missense variant.
Genome position (GRCh38, 1-based): chrX:135,998,509, A>G. VCF-style: chrX-135998509-A-G. GRCh37 (hg19) VCF-style: chrX-135080668-A-G.
Other names: c.631A>G, p.Ile211Val (NM_001042537.2); c.475A>G, p.Ile159Val (NM_001177651.2); c.379A>G, p.Ile127Val (NM_001330652.2); c.535A>G, p.Ile179Val (NM_006359.3); short protein forms I127V, I159V, I179V, I211V.
Identifiers: ClinVar variation 1191590 (VCV001191590.9), dbSNP rs1395246172, ClinGen allele CA414749940.

ClinVar aggregate classification (germline): Uncertain significance. Review status: criteria provided, multiple submitters, no conflicts (2 of 4 stars). 3 submissions from 3 submitters: Uncertain significance (3). Last evaluated 2024-12-16.

Conditions:
Christianson syndrome (MRXSCH). Also called: X-linked mental retardation, syndromic, Christianson type; SLC9A6-Related Syndromic Mental Retardation; INTELLECTUAL DEVELOPMENTAL DISORDER, X-LINKED, SYNDROMIC, CHRISTIANSON TYPE. Identifiers: Orphanet 85278, MedGen C2678194, MONDO:0010278, OMIM 300243.

Allele frequency attached by ClinVar (database versions not stated): gnomAD exomes below 0.00001; gnomAD 0.00001; TOPMed 0.00001.
gnomAD v4.1: 3 of 1,184,362 alleles (0.00025%); highest among the groups gnomAD compares: African/African-American, 0.0018%; no homozygotes.

Submissions (3):

Labcorp Genetics (formerly Invitae), Labcorp
Classification: Uncertain significance for Christianson syndrome. Last evaluated: 2024-12-16. Review status: criteria provided, single submitter. Criteria: Invitae Variant Classification Sherloc (09022015). Collection method: clinical testing. Allele origin: germline.
Comment: This sequence change replaces isoleucine, which is neutral and non-polar, with valine, which is neutral and non-polar, at codon 179 of the SLC9A6 protein (p.Ile179Val). This variant is not present in population databases (gnomAD no frequency). This variant has not been reported in the literature in individuals affected with SLC9A6-related conditions. ClinVar contains an entry for this variant (Variation ID: 1191590). Invitae Evidence Modeling of protein sequence and biophysical properties (such as structural, functional, and spatial information, amino acid conservation, physicochemical variation, residue mobility, and thermodynamic stability) indicates that this missense variant is not expected to disrupt SLC9A6 protein function with a negative predictive value of 80%. In summary, the available evidence is currently insufficient to determine the role of this variant in disease. Therefore, it has been classified as a Variant of Uncertain Significance.

GeneDx
Classification: Uncertain significance. Last evaluated: 2024-12-02. Review status: criteria provided, single submitter. Criteria: GeneDx Variant Classification Process June 2021. Collection method: clinical testing. Allele origin: germline. Affected: yes.
Comment: Not observed at significant frequency in large population cohorts (gnomAD); In silico analysis indicates that this missense variant does not alter protein structure/function; Has not been previously published as pathogenic or benign to our knowledge

Blueprint Genetics
Classification: Uncertain significance. Last evaluated: 2024-07-01. Review status: criteria provided, single submitter. Criteria: ACMG Guidelines, 2015. Collection method: clinical testing. Allele origin: germline.